The following is an entry in ClinVar:

ClinVar aggregate classification (germline): Uncertain significance (1 of 4 stars; one submission).

Conditions:
Intellectual developmental disorder, autosomal dominant 1. Also called: MBD5 Haploinsufficiency; Intellectual disability, autosomal dominant 1. Identifiers: Orphanet 228402, MedGen C1969562, MONDO:0007974, OMIM 156200.

Submission:

Labcorp Genetics (formerly Invitae), Labcorp
Classification: Uncertain significance for Intellectual developmental disorder, autosomal dominant 1. Last evaluated: 2026-01-05. Review status: criteria provided, single submitter. Criteria: Invitae Variant Classification Sherloc (09022015). Collection method: clinical testing. Allele origin: germline.
Comment: This sequence change replaces serine, which is neutral and polar, with asparagine, which is neutral and polar, at codon 1033 of the MBD5 protein (p.Ser1033Asn). This variant is not present in population databases (gnomAD no frequency). This variant has not been reported in the literature in individuals affected with MBD5-related conditions. Invitae Evidence Modeling of protein sequence and biophysical properties (such as structural, functional, and spatial information, amino acid conservation, physicochemical variation, residue mobility, and thermodynamic stability) indicates that this missense variant is not expected to disrupt MBD5 protein function with a negative predictive value of 80%. In summary, the available evidence is currently insufficient to determine the role of this variant in disease. Therefore, it has been classified as a Variant of Uncertain Significance.

NM_001378120.1(MBD5):c.3797G>A (p.Ser1266Asn)

Gene: MBD5 (methyl-CpG binding domain protein 5; plus strand). Cytogenetic location: 2q23.1.
Variant type: single nucleotide variant.
Coding change: c.3797G>A on transcript NM_001378120.1 (MANE Select); coding-DNA position 3797, G replaced by A.
Protein change: p.Ser1266Asn; replaces serine 1266 with asparagine.
Molecular consequence: missense variant.
Genome position (GRCh38, 1-based): chr2:148,489,429, G>A. VCF-style: chr2-148489429-G-A. GRCh37 (hg19) VCF-style: chr2-149246998-G-A.
Other names: c.3797G>A, p.Ser1266Asn (NM_001438854.1, NM_001438856.1, NM_001438857.1 and 1 more transcripts); c.3098G>A, p.Ser1033Asn (NM_001438855.1, NM_001438859.1, NM_001438860.1 and 3 more transcripts); short protein forms S1033N, S1266N.
Identifiers: ClinVar variation 4761648 (VCV004761648.1).